The following is an entry in ClinVar:

NM_003482.4(KMT2D):c.12054CCT[2] (p.Leu4021del)

Gene: KMT2D (lysine methyltransferase 2D; minus strand). Cytogenetic location: 12q13.12.
Variant type: Microsatellite.
Coding change: c.12054CCT[2] on transcript NM_003482.4 (MANE Select); two copies in a row of the 3-base unit CCT starting at c.12054; the reference has three copies in a row; one copy, 3 bases deleted.
Protein change: p.Leu4021del; deletes leucine 4021.
Genome position (GRCh38, 1-based): chr12:49,032,643-49,032,645, AGG deleted on the plus strand (CCT on the coding strand, the reverse complement: KMT2D is on the minus strand); deleting any 3 consecutive bases within chr12:49,032,643-49,032,651 gives the same sequence; the position shown is the placement nearest the transcript's 3' end. VCF-style (leftmost placement, unchanged base first): chr12-49032642-CAGG-C. GRCh37 (hg19) VCF-style: chr12-49426425-CAGG-C.
Other names: short protein forms L4021del.
Identifiers: ClinVar variation 3704130 (VCV003704130.2).

ClinVar aggregate classification (germline): Uncertain significance (1 of 4 stars; one submission).

Conditions:
Kabuki syndrome. Also called: NIIKAWA-KUROKI SYNDROME; Kabuki make-up syndrome. Identifiers: Orphanet 2322, MedGen C0796004, MONDO:0016512.

Submission:

Labcorp Genetics (formerly Invitae), Labcorp
Classification: Uncertain significance for Kabuki syndrome. Last evaluated: 2025-02-06. Review status: criteria provided, single submitter. Criteria: Invitae Variant Classification Sherloc (09022015). Collection method: clinical testing. Allele origin: germline.
Comment: This variant, c.12060_12062del, results in the deletion of 1 amino acid(s) of the KMT2D protein (p.Leu4021del), but otherwise preserves the integrity of the reading frame. This variant is present in population databases (no rsID available, gnomAD 0.003%). This variant has not been reported in the literature in individuals affected with KMT2D-related conditions. This variant has been observed in at least one individual who was not affected with KMT2D-related conditions (internal data). Experimental studies and prediction algorithms are not available or were not evaluated, and the functional significance of this variant is currently unknown. In summary, the available evidence is currently insufficient to determine the role of this variant in disease. Therefore, it has been classified as a Variant of Uncertain Significance.